The following is an entry in ClinVar:

NM_198334.3(GANAB):c.725T>C (p.Met242Thr)

Gene: GANAB (glucosidase II alpha subunit; minus strand). Cytogenetic location: 11q12.3.
Variant type: single nucleotide variant.
Coding change: c.725T>C on transcript NM_198334.3 (MANE Select); coding-DNA position 725, T replaced by C.
Protein change: p.Met242Thr; replaces methionine 242 with threonine.
Molecular consequence: missense variant. On other transcripts: initiator codon variant (2).
Genome position (GRCh38, 1-based): chr11:62,633,095, A>G on the plus strand (T>C on the coding strand, the complement: GANAB is on the minus strand). VCF-style: chr11-62633095-A-G. GRCh37 (hg19) VCF-style: chr11-62400567-A-G.
Other names: c.449T>C, p.Met150Thr (NM_001278192.2); c.383T>C, p.Met128Thr (NM_001278193.2); c.434T>C, p.Met145Thr (NM_001278194.2, NM_001329222.2, NM_001329223.2); c.2T>C, p.Met1Thr (NM_001329224.2, NM_001329225.2); c.791T>C, p.Met264Thr (NM_198335.4); short protein forms M145T, M150T, M242T, M264T, M128T, M1T.
Identifiers: ClinVar variation 2118998 (VCV002118998.6), dbSNP rs1314209487, ClinGen allele CA380995152.

ClinVar aggregate classification (germline): Uncertain significance. Review status: criteria provided, multiple submitters, no conflicts (2 of 4 stars). 2 submissions from 2 submitters: Uncertain significance (2). Last evaluated 2024-01-02.

Conditions:
Polycystic kidney disease 3 with or without polycystic liver disease. Also called: Polycystic kidney disease 3; POLYCYSTIC KIDNEY DISEASE, ADULT, TYPE III; Polycystic Kidney and/or Polycystic Liver Disease 3. Identifiers: MedGen C3887964, MONDO:0010916, OMIM 600666.

Allele frequency attached by ClinVar (database versions not stated): gnomAD exomes below 0.00001; gnomAD 0.00002; TOPMed 0.00003.
gnomAD v4.1: 6 of 1,610,506 alleles (0.00037%); highest among the groups gnomAD compares: African/African-American, 0.008%; no homozygotes.

Submissions (2):

Fulgent Genetics
Classification: Uncertain significance for Polycystic kidney disease 3 with or without polycystic liver disease. Last evaluated: 2024-01-02. Review status: criteria provided, single submitter. Criteria: ACMG Guidelines, 2015. Collection method: clinical testing. Allele origin: germline.

Labcorp Genetics (formerly Invitae), Labcorp
Classification: Uncertain significance. Last evaluated: 2022-07-23. Review status: criteria provided, single submitter. Criteria: Invitae Variant Classification Sherloc (09022015). Collection method: clinical testing. Allele origin: germline.
Comment: Advanced modeling of protein sequence and biophysical properties (such as structural, functional, and spatial information, amino acid conservation, physicochemical variation, residue mobility, and thermodynamic stability) performed at Invitae indicates that this missense variant is not expected to disrupt GANAB protein function. This variant has not been reported in the literature in individuals affected with GANAB-related conditions. This variant is present in population databases (no rsID available, gnomAD 0.01%). This sequence change replaces methionine, which is neutral and non-polar, with threonine, which is neutral and polar, at codon 264 of the GANAB protein (p.Met264Thr). In summary, the available evidence is currently insufficient to determine the role of this variant in disease. Therefore, it has been classified as a Variant of Uncertain Significance.